The following is an entry in ClinVar:

ClinVar aggregate classification (germline): Uncertain significance (1 of 4 stars; one submission).

Conditions:
Saldino-Mainzer syndrome (SRTD9). Also called: SHORT-RIB THORACIC DYSPLASIA 9 WITHOUT POLYDACTYLY; Renal dysplasia, retinal pigmentary dystrophy, cerebellar ataxia and skeletal dysplasia; short-rib thoracic dysplasia 9 with or without polydactyly; CONORENAL SYNDROME. Identifiers: Orphanet 140969, MedGen C1849437, MONDO:0009964, OMIM 266920.

Allele frequency attached by ClinVar (database versions not stated): gnomAD exomes below 0.00001; TOPMed below 0.00001.
gnomAD v4.1: 3 of 1,613,918 alleles (0.00019%); highest among the groups gnomAD compares: South Asian, 0.0011%; no homozygotes.

Submission:

Labcorp Genetics (formerly Invitae), Labcorp
Classification: Uncertain significance for Saldino-Mainzer syndrome. Last evaluated: 2022-11-22. Review status: criteria provided, single submitter. Criteria: Invitae Variant Classification Sherloc (09022015). Collection method: clinical testing. Allele origin: germline.
Comment: In summary, the available evidence is currently insufficient to determine the role of this variant in disease. Therefore, it has been classified as a Variant of Uncertain Significance. Advanced modeling of protein sequence and biophysical properties (such as structural, functional, and spatial information, amino acid conservation, physicochemical variation, residue mobility, and thermodynamic stability) performed at Invitae indicates that this missense variant is not expected to disrupt IFT140 protein function. ClinVar contains an entry for this variant (Variation ID: 857161). This variant has not been reported in the literature in individuals affected with IFT140-related conditions. This variant is present in population databases (no rsID available, gnomAD 0.0009%). This sequence change replaces methionine, which is neutral and non-polar, with valine, which is neutral and non-polar, at codon 606 of the IFT140 protein (p.Met606Val).

NM_014714.4(IFT140):c.1816A>G (p.Met606Val)

Gene: IFT140 (intraflagellar transport 140; minus strand). Cytogenetic location: 16p13.3.
Variant type: single nucleotide variant.
Coding change: c.1816A>G on transcript NM_014714.4 (MANE Select); coding-DNA position 1816, A replaced by G.
Protein change: p.Met606Val; replaces methionine 606 with valine.
Molecular consequence: missense variant.
Genome position (GRCh38, 1-based): chr16:1,566,246, T>C on the plus strand (A>G on the coding strand, the complement: IFT140 is on the minus strand). VCF-style: chr16-1566246-T-C. GRCh37 (hg19) VCF-style: chr16-1616247-T-C.
Other names: short protein forms M606V.
Identifiers: ClinVar variation 857161 (VCV000857161.10), dbSNP rs1319739285, ClinGen allele CA394206246.